The following is an entry in ClinVar:

NM_006269.2(RP1):c.2990A>G (p.Asn997Ser)

Gene: RP1 (RP1 axonemal microtubule associated; plus strand). Cytogenetic location: 8q12.1.
Variant type: single nucleotide variant.
Coding change: c.2990A>G on transcript NM_006269.2 (MANE Select); coding-DNA position 2990, A replaced by G.
Protein change: p.Asn997Ser; replaces asparagine 997 with serine.
Molecular consequence: missense variant. On other transcripts: intron variant (1).
Genome position (GRCh38, 1-based): chr8:54,626,872, A>G. VCF-style: chr8-54626872-A-G. GRCh37 (hg19) VCF-style: chr8-55539432-A-G.
Other names: c.787+4584A>G (NM_001375654.1); short protein forms N997S.
Identifiers: ClinVar variation 3694848 (VCV003694848.2).

ClinVar aggregate classification (germline): Uncertain significance (1 of 4 stars; one submission).

gnomAD v4.1: 7 of 1,613,848 alleles (0.00043%); highest among the groups gnomAD compares: South Asian, 0.0066%; no homozygotes.

Submission:

Labcorp Genetics (formerly Invitae), Labcorp
Classification: Uncertain significance. Last evaluated: 2024-11-11. Review status: criteria provided, single submitter. Criteria: Invitae Variant Classification Sherloc (09022015). Collection method: clinical testing. Allele origin: germline.
Comment: This sequence change replaces asparagine, which is neutral and polar, with serine, which is neutral and polar, at codon 997 of the RP1 protein (p.Asn997Ser). This variant is present in population databases (no rsID available, gnomAD 0.006%). This variant has not been reported in the literature in individuals affected with RP1-related conditions. An algorithm developed to predict the effect of missense changes on protein structure and function outputs the following: PolyPhen-2: "Benign". The serine amino acid residue is found in multiple mammalian species, which suggests that this missense change does not adversely affect protein function. In summary, the available evidence is currently insufficient to determine the role of this variant in disease. Therefore, it has been classified as a Variant of Uncertain Significance.